The following is an entry in ClinVar:

ClinVar aggregate classification (germline): Uncertain significance (1 of 4 stars; one submission).

Conditions:
Eichsfeld type congenital muscular dystrophy (CMYO3). Also called: SELENON-related myopathy; Congenital myopathy 3 with rigid spine; Rigid spine muscular dystrophy 1; MYOPATHY, SEPN1-RELATED. Identifiers: MedGen C0410180, MONDO:0100100, OMIM 602771.

Allele frequency attached by ClinVar (database versions not stated): gnomAD exomes 0.00001; ExAC 0.00006.
gnomAD v4.1: 8 of 1,614,070 alleles (0.0005%); highest among the groups gnomAD compares: Non-Finnish European, 0.00059%; no homozygotes.

Submission:

Labcorp Genetics (formerly Invitae), Labcorp
Classification: Uncertain significance for Eichsfeld type congenital muscular dystrophy. Last evaluated: 2022-04-23. Review status: criteria provided, single submitter. Criteria: Invitae Variant Classification Sherloc (09022015). Collection method: clinical testing. Allele origin: germline.
Comment: This sequence change replaces leucine, which is neutral and non-polar, with valine, which is neutral and non-polar, at codon 587 of the SELENON protein (p.Leu587Val). This variant is present in population databases (rs775059478, gnomAD 0.007%). This variant has not been reported in the literature in individuals affected with SELENON-related conditions. Algorithms developed to predict the effect of missense changes on protein structure and function (SIFT, PolyPhen-2, Align-GVGD) all suggest that this variant is likely to be tolerated. In summary, the available evidence is currently insufficient to determine the role of this variant in disease. Therefore, it has been classified as a Variant of Uncertain Significance.

NM_206926.2(SELENON):c.1657C>G (p.Leu553Val)

Gene: SELENON (selenoprotein N; plus strand). Cytogenetic location: 1p36.11.
Variant type: single nucleotide variant.
Coding change: c.1657C>G on transcript NM_206926.2 (MANE Select); coding-DNA position 1657, C replaced by G.
Protein change: p.Leu553Val; replaces leucine 553 with valine.
Molecular consequence: missense variant.
Genome position (GRCh38, 1-based): chr1:25,815,704, C>G. VCF-style: chr1-25815704-C-G. GRCh37 (hg19) VCF-style: chr1-26142195-C-G.
Other names: c.1759C>G, p.Leu587Val (NM_020451.3); short protein forms L553V, L587V.
Identifiers: ClinVar variation 2166542 (VCV002166542.4), dbSNP rs775059478, ClinGen allele CA696984.